The following is an entry in ClinVar:

NM_001148.6(ANK2):c.11862C>T (p.Asp3954=)

Gene: ANK2 (ankyrin 2; plus strand). Cytogenetic location: 4q26.
Variant type: single nucleotide variant.
Coding change: c.11862C>T on transcript NM_001148.6 (MANE Select); coding-DNA position 11862, C replaced by T.
Protein change: p.Asp3954=; no amino-acid change (aspartic acid 3954 retained).
Molecular consequence: synonymous variant. On other transcripts: missense variant (2).
Genome position (GRCh38, 1-based): chr4:113,381,459, C>T. VCF-style: chr4-113381459-C-T. GRCh37 (hg19) VCF-style: chr4-114302615-C-T.
Other names: c.5580C>T, p.Asp1860= (NM_001127493.3); c.5802C>T, p.Asp1934= (NM_001354225.2); c.5784C>T, p.Asp1928= (NM_001354228.2); c.5769C>T, p.Asp1923= (NM_001354230.2); c.5742C>T, p.Asp1914= (NM_001354231.2); c.5736C>T, p.Asp1912= (NM_001354232.2); c.5697C>T, p.Asp1899= (NM_001354235.2); c.5688C>T, p.Asp1896= (NM_001354236.2); and 57 more; short protein forms T4116I, T4124I.
Identifiers: ClinVar variation 457019 (VCV000457019.11), dbSNP rs755240882, ClinGen allele CA3052443.

ClinVar aggregate classification (germline): Conflicting classifications of pathogenicity. Review status: criteria provided, conflicting classifications (1 of 4 stars). 5 submissions from 5 submitters: Uncertain significance (1); Benign (2); Likely benign (2). Last evaluated 2025-06-24.

Conditions:
Cardiovascular phenotype. Identifiers: MedGen CN230736.
Long QT syndrome (LQTS). Identifiers: MedGen C0023976, MeSH D008133, MONDO:0002442. Disease mechanism: loss of function. Inheritance: Various modes of inheritance.
Cardiac arrhythmia, ankyrin-B-related. Also called: ANKYRIN-B SYNDROME. Identifiers: Orphanet 101016, Orphanet 768, MedGen C1970119, MONDO:0010958, OMIM 600919.

Allele frequency attached by ClinVar (database versions not stated): TOPMed below 0.00001; ExAC 0.00002; gnomAD exomes 0.00002 and 0.00004.
gnomAD v4.1: 54 of 1,614,138 alleles (0.0033%); highest among the groups gnomAD compares: Non-Finnish European, 0.0038%; no homozygotes.

Submissions (5):

Labcorp Genetics (formerly Invitae), Labcorp
Classification: Likely benign for Long QT syndrome. Last evaluated: 2025-06-24. Review status: criteria provided, single submitter. Criteria: Invitae Variant Classification Sherloc (09022015). Collection method: clinical testing. Allele origin: germline.

Ambry Genetics
Classification: Uncertain significance for Cardiovascular phenotype. Last evaluated: 2024-06-27. Review status: criteria provided, single submitter. Criteria: Ambry Variant Classification Scheme 2023. Collection method: clinical testing. Allele origin: germline.
Comment: The c.11862C>T variant (also known as p.D3954D), located in coding exon 46 of the ANK2 gene, results from a C to T substitution at nucleotide position 11862. This nucleotide substitution does not change the amino acid at codon 3954. This nucleotide position is highly conserved in available vertebrate species. In silico splice site analysis for this alteration is inconclusive. According to data from gnomAD, the frequency for this variant is above the maximum credible frequency for a cardiac disease-causing variant in this gene based on internally established thresholds (Karczewski et al. Nature. 2020 May;581(7809):434-443; Whiffin et al. Genet Med. 2017 10;19:1151-1158). Based on the supporting evidence, the association of this alteration with ANK2-related neurodevelopmental disorder is unknown; however, the association with ANK2-related arrhythmia is unlikely.

Blueprint Genetics
Classification: Likely benign. Last evaluated: 2024-03-05. Review status: criteria provided, single submitter. Criteria: ACMG Guidelines, 2015. Collection method: clinical testing. Allele origin: germline.

Genome-Nilou Lab
Classification: Benign for Cardiac arrhythmia, ankyrin-B-related. Last evaluated: 2021-12-05. Review status: criteria provided, single submitter. Criteria: ACMG Guidelines, 2015. Collection method: clinical testing. Allele origin: germline. Affected: no.

GeneDx
Classification: Benign. Last evaluated: 2015-08-20. Review status: criteria provided, single submitter. Criteria: GeneDx Variant Classification Process June 2021. Collection method: clinical testing. Allele origin: germline. Affected: yes.